The following is an entry in ClinVar:

ClinVar aggregate classification (germline): Uncertain significance (1 of 4 stars; one submission).

Conditions:
Progressive sclerosing poliodystrophy (MTDPS4A). Also called: NEURONAL DEGENERATION OF CHILDHOOD WITH LIVER DISEASE, PROGRESSIVE; Alpers Syndrome; ALPERS DIFFUSE DEGENERATION OF CEREBRAL GRAY MATTER WITH HEPATIC CIRRHOSIS; Alpers-Huttenlocher Syndrome; Mitochondrial DNA depletion syndrome 4A (Alpers type); Mitochondrial DNA Depletion Syndrome 4A. Identifiers: Orphanet 726, MedGen C0205710, MONDO:0008758, OMIM 203700.

Allele frequency attached by ClinVar (database versions not stated): gnomAD exomes below 0.00001 and 0.00001; ExAC 0.00001; gnomAD 0.00001; TOPMed 0.00002.

Submission:

Labcorp Genetics (formerly Invitae), Labcorp
Classification: Uncertain significance for Progressive sclerosing poliodystrophy. Last evaluated: 2025-06-15. Review status: criteria provided, single submitter. Criteria: Invitae Variant Classification Sherloc (09022015). Collection method: clinical testing. Allele origin: germline.
Comment: This sequence change replaces threonine, which is neutral and polar, with alanine, which is neutral and non-polar, at codon 381 of the POLG protein (p.Thr381Ala). This variant is present in population databases (rs772748692, gnomAD 0.004%). This variant has not been reported in the literature in individuals affected with POLG-related conditions. ClinVar contains an entry for this variant (Variation ID: 1350901). Invitae Evidence Modeling of protein sequence and biophysical properties (such as structural, functional, and spatial information, amino acid conservation, physicochemical variation, residue mobility, and thermodynamic stability) has been performed for this missense variant. However, the output from this modeling did not meet the statistical confidence thresholds required to predict the impact of this variant on POLG protein function. In summary, the available evidence is currently insufficient to determine the role of this variant in disease. Therefore, it has been classified as a Variant of Uncertain Significance.

NM_002693.3(POLG):c.1141A>G (p.Thr381Ala)

Gene: POLG (DNA polymerase gamma, catalytic subunit; minus strand). Cytogenetic location: 15q26.1.
Variant type: single nucleotide variant.
Coding change: c.1141A>G on transcript NM_002693.3 (MANE Select); coding-DNA position 1141, A replaced by G.
Protein change: p.Thr381Ala; replaces threonine 381 with alanine.
Molecular consequence: missense variant.
Genome position (GRCh38, 1-based): chr15:89,328,714, T>C on the plus strand (A>G on the coding strand, the complement: POLG is on the minus strand). VCF-style: chr15-89328714-T-C. GRCh37 (hg19) VCF-style: chr15-89871945-T-C.
Other names: c.1141A>G, p.Thr381Ala (NM_001126131.2); short protein forms T381A.
Identifiers: ClinVar variation 1350901 (VCV001350901.8), dbSNP rs772748692, ClinGen allele CA7724946.